The following is an entry in ClinVar:

ClinVar aggregate classification (germline): Uncertain significance (1 of 4 stars; one submission).

Submission:

Labcorp Genetics (formerly Invitae), Labcorp
Classification: Uncertain significance. Last evaluated: 2021-09-06. Review status: criteria provided, single submitter. Criteria: Invitae Variant Classification Sherloc (09022015). Collection method: clinical testing. Allele origin: germline.
Comment: This sequence change creates a premature translational stop signal (p.Ser1569Glnfs*36) in the PTPN23 gene. While this is not anticipated to result in nonsense mediated decay, it is expected to disrupt the last 68 amino acid(s) of the PTPN23 protein. This variant is not present in population databases (ExAC no frequency). This variant has not been reported in the literature in individuals affected with PTPN23-related conditions. Experimental studies and prediction algorithms are not available or were not evaluated, and the functional significance of this variant is currently unknown. In summary, the available evidence is currently insufficient to determine the role of this variant in disease. Therefore, it has been classified as a Variant of Uncertain Significance.

NM_015466.4(PTPN23):c.4704dup (p.Ser1569fs)

Gene: PTPN23 (protein tyrosine phosphatase non-receptor type 23; plus strand). Cytogenetic location: 3p21.31.
Variant type: Duplication.
Coding change: c.4704dup on transcript NM_015466.4 (MANE Select); coding-DNA position 4704, one base duplicated (C; older notation c.4704dupC).
Protein change: p.Ser1569fs; shifts the reading frame from serine 1569.
Molecular consequence: frameshift variant.
Genome position (GRCh38, 1-based): chr3:47,412,978, C duplicated; the last of 5 consecutive C bases (chr3:47,412,974-47,412,978); duplicating any one gives the same sequence. VCF-style (leftmost placement, unchanged base first): chr3-47412973-G-GC. GRCh37 (hg19) VCF-style: chr3-47454463-G-GC.
Other names: c.4326dup, p.Ser1443fs (NM_001304482.2); short protein forms S1443fs, S1569fs.
Identifiers: ClinVar variation 1517814 (VCV001517814.6), dbSNP rs2107730102, ClinGen allele CA2573137075.